The following is an entry in ClinVar:

ClinVar aggregate classification (germline): Uncertain significance (1 of 4 stars; one submission).

Allele frequency attached by ClinVar (database versions not stated): gnomAD exomes below 0.00001; gnomAD 0.00001; TOPMed 0.00002.
gnomAD v4.1: 7 of 1,610,656 alleles (0.00043%); highest among the groups gnomAD compares: Non-Finnish European, 0.00059%; no homozygotes.

Submission:

Labcorp Genetics (formerly Invitae), Labcorp
Classification: Uncertain significance. Last evaluated: 2022-10-24. Review status: criteria provided, single submitter. Criteria: Invitae Variant Classification Sherloc (09022015). Collection method: clinical testing. Allele origin: germline.
Comment: This sequence change replaces proline, which is neutral and non-polar, with threonine, which is neutral and polar, at codon 295 of the CLCC1 protein (p.Pro295Thr). This variant is present in population databases (no rsID available, gnomAD 0.002%). This variant has not been reported in the literature in individuals affected with CLCC1-related conditions. ClinVar contains an entry for this variant (Variation ID: 947080). Algorithms developed to predict the effect of missense changes on protein structure and function are either unavailable or do not agree on the potential impact of this missense change (SIFT: "Deleterious"; PolyPhen-2: "Probably Damaging"; Align-GVGD: "Class C0"). In summary, the available evidence is currently insufficient to determine the role of this variant in disease. Therefore, it has been classified as a Variant of Uncertain Significance.

NM_001377458.1(CLCC1):c.883C>A (p.Pro295Thr)

Gene: CLCC1 (chloride channel CLIC like 1; minus strand). Cytogenetic location: 1p13.3.
Variant type: single nucleotide variant.
Coding change: c.883C>A on transcript NM_001377458.1 (MANE Select); coding-DNA position 883, C replaced by A.
Protein change: p.Pro295Thr; replaces proline 295 with threonine.
Molecular consequence: missense variant. On other transcripts: non-coding transcript variant (1), intron variant (1).
Genome position (GRCh38, 1-based): chr1:108,940,056, G>T on the plus strand (C>A on the coding strand, the complement: CLCC1 is on the minus strand). VCF-style: chr1-108940056-G-T. GRCh37 (hg19) VCF-style: chr1-109482678-G-T.
Other names: c.883C>A, p.Pro295Thr (NM_001048210.3, NM_001377459.1, NM_001377460.1 and 8 more transcripts); c.520C>A, p.Pro174Thr (NM_001278202.2); c.781C>A, p.Pro261Thr (NM_001377469.1); c.592C>A, p.Pro198Thr (NM_001377470.1); c.733C>A, p.Pro245Thr (NM_015127.5); c.340-274C>A (NM_001278203.1); short protein forms P198T, P245T, P174T, P261T, P295T.
Identifiers: ClinVar variation 947080 (VCV000947080.7), dbSNP rs1398800016, ClinGen allele CA341460099.
Genomic context (GRCh38, chr1:108,940,056, plus strand): 5'-AGGGATTTCTGACTGACTTTAAGTAATTTTTACAAAATATATGCTATACCTTTGTTGGTG[G>T]GACCAACCAAATAGGGTTGACTAGTAAGAGCTCATAGTATTTTTGGCATGGGTCATCCTT-3'
Protein context (NP_001364387.1, residues 285-305): LLLVNPIWLV[Pro295Thr]PTKALAVTFT